The following is an entry in ClinVar:

ClinVar aggregate classification (germline): Likely benign. Review status: criteria provided, multiple submitters, no conflicts (2 of 4 stars). 3 submissions from 3 submitters: Likely benign (2). 1 of the submissions does not count toward it. Last evaluated 2025-03-31.

Conditions:
Bardet-Biedl syndrome (BBS). Identifiers: Orphanet 110, MedGen C0752166, MONDO:0015229.
BBS9-related disorder. Also called: BBS9-related condition.

gnomAD v4.1: 17 of 1,614,092 alleles (0.0011%); highest among the groups gnomAD compares: African/African-American, 0.0053%; no homozygotes.

Submissions (3):

Labcorp Genetics (formerly Invitae), Labcorp
Classification: Likely benign for Bardet-Biedl syndrome. Last evaluated: 2025-03-31. Review status: criteria provided, single submitter. Criteria: Invitae Variant Classification Sherloc (09022015). Collection method: clinical testing. Allele origin: germline.

Blueprint Genetics
Classification: Likely benign. Last evaluated: 2024-11-22. Review status: criteria provided, single submitter. Criteria: ACMG Guidelines, 2015. Collection method: clinical testing. Allele origin: germline.

PreventionGenetics, part of Exact Sciences
Classification: Likely benign for BBS9-related condition. Last evaluated: 2022-05-24. Review status: no assertion criteria provided. Collection method: clinical testing. Allele origin: germline. Not counted in ClinVar's aggregate classification.
Comment: This variant is classified as likely benign based on ACMG/AMP sequence variant interpretation guidelines (Richards et al. 2015 PMID: 25741868, with internal and published modifications).

NM_198428.3(BBS9):c.2217G>A (p.Ala739=)

Gene: BBS9 (Bardet-Biedl syndrome 9; plus strand). Cytogenetic location: 7p14.3.
Variant type: single nucleotide variant.
Coding change: c.2217G>A on transcript NM_198428.3 (MANE Select); coding-DNA position 2217, G replaced by A.
Protein change: p.Ala739=; no amino-acid change (alanine 739 retained).
Molecular consequence: synonymous variant. On other transcripts: non-coding transcript variant (3), intron variant (1).
Genome position (GRCh38, 1-based): chr7:33,505,564, G>A. VCF-style: chr7-33505564-G-A. GRCh37 (hg19) VCF-style: chr7-33545176-G-A.
Other names: c.2217G>A (NM_198428.2); c.2112G>A, p.Ala704= (NM_001033604.2); c.2202G>A, p.Ala734= (NM_001033605.2); c.2217G>A, p.Ala739= (NM_001348036.1, NM_001348041.4, NM_001348043.3 and 1 more transcripts); c.1944G>A, p.Ala648= (NM_001348038.3); c.1839G>A, p.Ala613= (NM_001348039.3); c.2097G>A, p.Ala699= (NM_001348040.3, NM_014451.4); c.2082G>A, p.Ala694= (NM_001348042.3); and 3 more.
Identifiers: ClinVar variation 1150361 (VCV001150361.12), dbSNP rs749322793, ClinGen allele CA4214629.
Genomic context (GRCh38, chr7:33,505,564, plus strand): 5'-TCTGTTCCAGTCATTCACCAGGCTGAAGAGTGCCACCCATTTGGTGATTCTGCTGATCGC[G>A]CTGTGGCAGAAGCTTAGTGCTGACCAGGTTGCTATTCTGGAAGCGGCATTTCTGCCGCTA-3'
Protein context (NP_940820.1, residues 729-749): SATHLVILLI[Ala739=]LWQKLSADQV